The following is an entry in ClinVar:

NM_004268.5(MED17):c.235C>T (p.Gln79Ter)

Genes: MED17 (mediator complex subunit 17; plus strand), LOC130006596 (ATAC-STARR-seq lymphoblastoid silent region 3840; plus strand). Cytogenetic location: 11q21.
Variant type: single nucleotide variant.
Coding change: c.235C>T on transcript NM_004268.5 (MANE Select); coding-DNA position 235, C replaced by T.
Protein change: p.Gln79Ter; replaces glutamine 79 with a stop codon.
Molecular consequence: nonsense.
Genome position (GRCh38, 1-based): chr11:93,784,748, C>T. VCF-style: chr11-93784748-C-T. GRCh37 (hg19) VCF-style: chr11-93517914-C-T.
Other names: short protein forms Q79*.
Identifiers: ClinVar variation 1456927 (VCV001456927.7), dbSNP rs2135707267, ClinGen allele CA382388222.

ClinVar aggregate classification (germline): Pathogenic/Likely pathogenic. Review status: criteria provided, multiple submitters, no conflicts (2 of 4 stars). 2 submissions from 2 submitters: Pathogenic (1); Likely pathogenic (1). Last evaluated 2025-03-25.

Conditions:
Infantile cerebral and cerebellar atrophy with postnatal progressive microcephaly (MSBA). Identifiers: Orphanet 402364, MedGen C3150921, MONDO:0013351, OMIM 613668.

Allele frequency attached by ClinVar (database versions not stated): gnomAD exomes 0.00001.

Submissions (2):

Labcorp Genetics (formerly Invitae), Labcorp
Classification: Pathogenic. Last evaluated: 2025-03-25. Review status: criteria provided, single submitter. Criteria: Invitae Variant Classification Sherloc (09022015). Collection method: clinical testing. Allele origin: germline.
Comment: This sequence change creates a premature translational stop signal (p.Gln79*) in the MED17 gene. It is expected to result in an absent or disrupted protein product. Loss-of-function variants in MED17 are known to be pathogenic (PMID: 20950787, 26004231, 30345598). This variant is not present in population databases (gnomAD no frequency). This variant has not been reported in the literature in individuals affected with MED17-related conditions. ClinVar contains an entry for this variant (Variation ID: 1456927). For these reasons, this variant has been classified as Pathogenic.

Fulgent Genetics
Classification: Likely pathogenic for Infantile cerebral and cerebellar atrophy with postnatal progressive microcephaly. Last evaluated: 2024-01-19. Review status: criteria provided, single submitter. Criteria: ACMG Guidelines, 2015. Collection method: clinical testing. Allele origin: germline.

Literature cited by the submitters: PubMed 20950787 (cited by Labcorp Genetics (formerly Invitae), Labcorp); PubMed 26004231 (cited by Labcorp Genetics (formerly Invitae), Labcorp); PubMed 30345598 (cited by Labcorp Genetics (formerly Invitae), Labcorp).